The following is an entry in ClinVar:

ClinVar aggregate classification (germline): Uncertain significance (1 of 4 stars; one submission).

Conditions:
VPS13B-related disorder. Also called: VPS13B-related condition.

Submission:

PreventionGenetics, part of Exact Sciences
Classification: Uncertain significance for VPS13B-related condition. Last evaluated: 2025-09-25. Review status: criteria provided, single submitter. Criteria: ACMG Guidelines, 2015. Collection method: clinical testing. Allele origin: germline.
Comment: The VPS13B c.11786_11788dupACA variant is predicted to result in an in-frame duplication (p.Asn3929dup). To our knowledge, this variant has not been reported in the literature or in a large population database (gnomAD), indicating this variant is rare. At this time, the clinical significance of this variant is uncertain due to the absence of conclusive functional and genetic evidence.

NM_152564.5(VPS13B):c.11783ACA[3] (p.Asn3929_Arg3930insAsn)

Gene: VPS13B (vacuolar protein sorting 13 homolog B; plus strand). Cytogenetic location: 8q22.2.
Variant type: Microsatellite.
Coding change: c.11783ACA[3] on transcript NM_152564.5 (MANE Select); three copies in a row of the 3-base unit ACA starting at c.11783; the reference has two copies in a row; one copy, 3 bases duplicated.
Protein change: p.Asn3929_Arg3930insAsn.
Molecular consequence: inframe insertion. On other transcripts: inframe indel (2).
Genome position (GRCh38, 1-based): chr8:99,875,458-99,875,460, ACA duplicated; duplicating any 3 consecutive bases within chr8:99,875,455-99,875,460 gives the same sequence; the position shown is the placement nearest the transcript's 3' end. VCF-style (leftmost placement, unchanged base first): chr8-99875454-T-TACA. GRCh37 (hg19) VCF-style: chr8-100887682-T-TACA.
Other names: c.11786_11788dupACA (NM_152564.4); c.11858ACA[3], p.Asn3954_Arg3955insAsn (NM_017890.5); c.11783_11785ACA[3], p.Asn3929_Arg3930insAsn (NM_152564.4).
Identifiers: ClinVar variation 4977386 (VCV004977386.1).